The following is an entry in ClinVar:

ClinVar aggregate classification (germline): Likely pathogenic. Review status: criteria provided, multiple submitters, no conflicts (2 of 4 stars). 2 submissions from 2 submitters: Likely pathogenic (2). Last evaluated 2024-10-24.

Conditions:
Familial sleep-related hypermotor epilepsy. Also called: Autosomal Dominant Sleep-Related Hypermotor (Hyperkinetic) Epilepsy. Identifiers: Orphanet 98784, MedGen C3696898, MONDO:0000030.

Submissions (2):

Labcorp Genetics (formerly Invitae), Labcorp
Classification: Likely pathogenic. Last evaluated: 2024-10-24. Review status: criteria provided, single submitter. Criteria: Invitae Variant Classification Sherloc (09022015). Collection method: clinical testing. Allele origin: germline.
Comment: This sequence change replaces isoleucine, which is neutral and non-polar, with phenylalanine, which is neutral and non-polar, at codon 275 of the CHRNA4 protein (p.Ile275Phe). This variant is not present in population databases (gnomAD no frequency). This missense change has been observed in individual(s) with nocturnal frontal lobe epilepsy (PMID: 25282705). In at least one individual the variant was observed to be de novo. ClinVar contains an entry for this variant (Variation ID: 1202676). Invitae Evidence Modeling of protein sequence and biophysical properties (such as structural, functional, and spatial information, amino acid conservation, physicochemical variation, residue mobility, and thermodynamic stability) indicates that this missense variant is expected to disrupt CHRNA4 protein function with a positive predictive value of 80%. In summary, the currently available evidence indicates that the variant is pathogenic, but additional data are needed to prove that conclusively. Therefore, this variant has been classified as Likely Pathogenic.

GeneDx
Classification: Likely pathogenic. Last evaluated: 2019-05-31. Review status: criteria provided, single submitter. Criteria: GeneDx Variant Classification Process June 2021. Collection method: clinical testing. Allele origin: germline. Affected: yes.
Comment: Not observed in large population cohorts (Lek et al., 2016); In silico analyses, including protein predictors and evolutionary conservation, support a deleterious effect; Located within the second transmembrane domain, which forms the ion channel pore and is the region where previously published pathogenic missense variants cluster (Kurahashi and Hirose, 2015); This variant is associated with the following publications: (PMID: 28717674, 25282705)

Literature cited by the submitters: PubMed 25282705 (cited by Labcorp Genetics (formerly Invitae), Labcorp).

NM_000744.7(CHRNA4):c.823A>T (p.Ile275Phe)

Gene: CHRNA4 (cholinergic receptor nicotinic alpha 4 subunit; minus strand). Cytogenetic location: 20q13.33.
Variant type: single nucleotide variant.
Coding change: c.823A>T on transcript NM_000744.7 (MANE Select); coding-DNA position 823, A replaced by T.
Protein change: p.Ile275Phe; replaces isoleucine 275 with phenylalanine.
Molecular consequence: missense variant. On other transcripts: non-coding transcript variant (1).
Genome position (GRCh38, 1-based): chr20:63,350,588, T>A on the plus strand (A>T on the coding strand, the complement: CHRNA4 is on the minus strand). VCF-style: chr20-63350588-T-A. GRCh37 (hg19) VCF-style: chr20-61981940-T-A.
Other names: c.295A>T, p.Ile99Phe (NM_001256573.2); short protein forms I275F, I99F.
Identifiers: ClinVar variation 1202676 (VCV001202676.5), dbSNP rs1555837911, ClinGen allele CA409636591.